The following is an entry in ClinVar:

NM_006015.6(ARID1A):c.3155A>G (p.Tyr1052Cys)

Gene: ARID1A (AT-rich interaction domain 1A; plus strand). Cytogenetic location: 1p36.11.
Variant type: single nucleotide variant.
Coding change: c.3155A>G on transcript NM_006015.6 (MANE Select); coding-DNA position 3155, A replaced by G.
Protein change: p.Tyr1052Cys; replaces tyrosine 1052 with cysteine.
Molecular consequence: missense variant.
Genome position (GRCh38, 1-based): chr1:26,767,956, A>G. VCF-style: chr1-26767956-A-G. GRCh37 (hg19) VCF-style: chr1-27094447-A-G.
Other names: c.3155A>G, p.Tyr1052Cys (NM_139135.4); short protein forms Y1052C.
Identifiers: ClinVar variation 3776770 (VCV003776770.1).
Genomic context (GRCh38, chr1:26,767,956, plus strand): 5'-AGGAGAAGGCCATGGGCATGACAAATCTGCCTGCTGTGGGTAGGAAACCTCTGGACCTCT[A>G]TCGCCTCTATGTGTCTGTGAAGGAGATTGGTGGATTGACTCAGGTGAGTGGGCGCCTGAC-3'
Protein context (NP_006006.3, residues 1042-1062): PAVGRKPLDL[Tyr1052Cys]RLYVSVKEIG

ClinVar aggregate classification (germline): Likely pathogenic (1 of 4 stars; one submission).

Conditions:
Intellectual disability, autosomal dominant 14 (CSS2). Also called: COFFIN-SIRIS SYNDROME 2. Identifiers: Orphanet 1465, MedGen C3553247, MONDO:0013819, OMIM 614607.

gnomAD v4.1: 1 of 1,614,014 alleles (0.000062%); highest among the groups gnomAD compares: South Asian, 0.0011%; no homozygotes.

Submission:

Molecular Genetics Laboratory, Motol Hospital
Classification: Likely pathogenic for Intellectual disability, autosomal dominant 14. Last evaluated: 2025-03-27. Review status: criteria provided, single submitter. Criteria: ACMG Guidelines, 2015. Collection method: clinical testing. Allele origin: de novo. Affected: yes. Observed: 1 variant allele.
Comment: Rare variant not present in ClinVar, but present 1x in gnomAD (4.1.0) in the South Asian population, not in non-Finnish European population. The alternative variant c.3155A>C is present in ClinVar (Variation ID:1700160) and classified as likely pathogenic (de novo variant in an individual with neurodevelopmental delay) (ACMG PVS1, PS2, PM2, PM5, PP2). Rare de novo variants in the ARID1A gene (MIM:603024) are a well-known cause of rare Coffin-Siris syndrome 2 (MIM:614607) (PMID:23906836;PMID:22426308;PMID:25168959;PMID:25169878). Therefore, this variant is classified as likely pathogenic.

Literature cited by the submitters: PubMed 23906836; PubMed 22426308; PubMed 25168959; PubMed 25169878.